The following is an entry in ClinVar:

NC_000016.10:g.(89784965_89791402)_(89805393_89808293)del

Gene: FANCA (FA complementation group A; minus strand). Cytogenetic location: 16q24.3.
Variant type: Deletion.
Identifiers: ClinVar variation 974292 (VCV000974292.1).

ClinVar aggregate classification (germline): Pathogenic (0 of 4 stars; one submission).

Conditions:
Fanconi anemia complementation group A (FANCA). Also called: Fanconi anemia, group A; FANCA-Related Fanconi Anemia. Identifiers: Orphanet 84, MedGen C3469521, MONDO:0009215, OMIM 227650.

Submission:

Leiden Open Variation Database
Classification: Pathogenic for Fanconi anemia complementation group A. Last evaluated: 2020-02-28. Review status: no assertion criteria provided. Collection method: curation. Allele origin: germline. Affected: yes.
Comment: Curator: Arleen D. Auerbach. Submitter to LOVD: Arleen D. Auerbach.